The following is an entry in ClinVar:

ClinVar aggregate classification (germline): Uncertain significance. Review status: criteria provided, multiple submitters, no conflicts (2 of 4 stars). 2 submissions from 2 submitters: Uncertain significance (2). Last evaluated 2023-06-05.

Conditions:
Baller-Gerold syndrome (BGS). Also called: CRANIOSYNOSTOSIS WITH RADIAL DEFECTS. Identifiers: Orphanet 1225, MedGen C0265308, MONDO:0009039, OMIM 218600.
Rothmund-Thomson syndrome type 2 (RTS2). Identifiers: Orphanet 221016, MedGen C5203410, MONDO:0016369, OMIM 268400.

Allele frequency attached by ClinVar (database versions not stated): gnomAD 0.00002; TOPMed 0.00003.

Submissions (2):

Labcorp Genetics (formerly Invitae), Labcorp
Classification: Uncertain significance for Baller-Gerold syndrome. Last evaluated: 2023-06-05. Review status: criteria provided, single submitter. Criteria: Invitae Variant Classification Sherloc (09022015). Collection method: clinical testing. Allele origin: germline.
Comment: This sequence change replaces proline, which is neutral and non-polar, with serine, which is neutral and polar, at codon 298 of the RECQL4 protein (p.Pro298Ser). In summary, the available evidence is currently insufficient to determine the role of this variant in disease. Therefore, it has been classified as a Variant of Uncertain Significance. Advanced modeling of protein sequence and biophysical properties (such as structural, functional, and spatial information, amino acid conservation, physicochemical variation, residue mobility, and thermodynamic stability) performed at Invitae indicates that this missense variant is not expected to disrupt RECQL4 protein function. ClinVar contains an entry for this variant (Variation ID: 645149). This variant has not been reported in the literature in individuals affected with RECQL4-related conditions. This variant is present in population databases (no rsID available, gnomAD 0.007%).

St. Jude Molecular Pathology, St. Jude Children's Research Hospital
Classification: Uncertain significance for Rothmund-Thomson syndrome type 2. Last evaluated: 2022-05-12. Review status: criteria provided, single submitter. Criteria: St. Jude Assertion Criteria 2020. Collection method: clinical testing. Allele origin: germline.
Comment: The RECQL4 c.892C>T (p.Pro298Ser) missense change has a maximum subpopulation frequency of 0.0065% in gnomAD v2.1.1 (PM2_supporting). In silico tools predict a benign effect of this variant on protein function (BP4), but to our knowledge these predictions have not been confirmed by functional assays. To our knowledge, this variant has not been reported in individuals with RECQL4-associated conditions. In summary, this variant meets criteria to be classified as of uncertain significance based on the ACMG/AMP criteria: PM2_supporting, BP4.

NM_004260.4(RECQL4):c.892C>T (p.Pro298Ser)

Gene: RECQL4 (RecQ like helicase 4; minus strand). Cytogenetic location: 8q24.3.
Variant type: single nucleotide variant.
Coding change: c.892C>T on transcript NM_004260.4 (MANE Select); coding-DNA position 892, C replaced by T.
Protein change: p.Pro298Ser; replaces proline 298 with serine.
Molecular consequence: missense variant.
Genome position (GRCh38, 1-based): chr8:144,516,227, G>A on the plus strand (C>T on the coding strand, the complement: RECQL4 is on the minus strand). VCF-style: chr8-144516227-G-A. GRCh37 (hg19) VCF-style: chr8-145741611-G-A.
Other names: short protein forms P298S.
Identifiers: ClinVar variation 645149 (VCV000645149.11), dbSNP rs892796827, ClinGen allele CA187688678.
Genomic context (GRCh38, chr8:144,516,227, plus strand): 5'-TGGGGTTCGATGGGCTGCTGCAGGGCTGAGGTGGCTGTGCCTGTACAGGTTCCCCTGGAG[G>A]GTCTTCCTCAACTGCTACAGCCCCAGCCCCCTCCGATGGGGGTCCAGCTTGGCTGCTCTC-3'
Protein context (NP_004251.4, residues 288-308): GAGAVAVEED[Pro298Ser]PGEPVQAQPP